The following is an entry in ClinVar:

NM_006739.4(MCM5):c.1061C>T (p.Ala354Val)

Gene: MCM5 (minichromosome maintenance complex component 5; plus strand). Cytogenetic location: 22q12.3.
Variant type: single nucleotide variant.
Coding change: c.1061C>T on transcript NM_006739.4 (MANE Select); coding-DNA position 1061, C replaced by T.
Protein change: p.Ala354Val; replaces alanine 354 with valine.
Molecular consequence: missense variant.
Genome position (GRCh38, 1-based): chr22:35,412,651, C>T. VCF-style: chr22-35412651-C-T. GRCh37 (hg19) VCF-style: chr22-35808644-C-T.
Other names: short protein forms A354V.
Identifiers: ClinVar variation 2868774 (VCV002868774.3), dbSNP rs1932419611, ClinGen allele CA411344664.

ClinVar aggregate classification (germline): Uncertain significance (1 of 4 stars; one submission).

Allele frequency attached by ClinVar (database versions not stated): TOPMed below 0.00001; gnomAD 0.00001.

Submission:

Labcorp Genetics (formerly Invitae), Labcorp
Classification: Uncertain significance. Last evaluated: 2023-02-20. Review status: criteria provided, single submitter. Criteria: Invitae Variant Classification Sherloc (09022015). Collection method: clinical testing. Allele origin: germline.
Comment: In summary, the available evidence is currently insufficient to determine the role of this variant in disease. Therefore, it has been classified as a Variant of Uncertain Significance. Advanced modeling of protein sequence and biophysical properties (such as structural, functional, and spatial information, amino acid conservation, physicochemical variation, residue mobility, and thermodynamic stability) performed at Invitae indicates that this missense variant is not expected to disrupt MCM5 protein function. This variant has not been reported in the literature in individuals affected with MCM5-related conditions. This variant is not present in population databases (gnomAD no frequency). This sequence change replaces alanine, which is neutral and non-polar, with valine, which is neutral and non-polar, at codon 354 of the MCM5 protein (p.Ala354Val).